The following is an entry in ClinVar:

ClinVar aggregate classification (germline): Uncertain significance. Review status: criteria provided, multiple submitters, no conflicts (2 of 4 stars). 3 submissions from 3 submitters: Uncertain significance (2). 1 of the submissions does not count toward it. Last evaluated 2023-04-03.

Conditions:
Retinal dystrophy. Also called: Inherited retinal dystrophy. Identifiers: Orphanet 71862, MedGen C0854723, MeSH D058499, MONDO:0019118, HP:0000556.

Allele frequency attached by ClinVar (database versions not stated): gnomAD exomes below 0.00001.
gnomAD v4.1: 4 of 1,549,914 alleles (0.00026%); highest among the groups gnomAD compares: Non-Finnish European, 0.00035%; no homozygotes.

Submissions (3):

Blueprint Genetics
Classification: Uncertain significance. Last evaluated: 2023-04-03. Review status: criteria provided, single submitter. Criteria: ACMG Guidelines, 2015. Collection method: clinical testing. Allele origin: germline.

Labcorp Genetics (formerly Invitae), Labcorp
Classification: Uncertain significance. Last evaluated: 2022-02-12. Review status: criteria provided, single submitter. Criteria: Invitae Variant Classification Sherloc (09022015). Collection method: clinical testing. Allele origin: germline.
Comment: This sequence change replaces valine, which is neutral and non-polar, with leucine, which is neutral and non-polar, at codon 2212 of the EYS protein (p.Val2212Leu). This variant is not present in population databases (gnomAD no frequency). This variant has not been reported in the literature in individuals affected with EYS-related conditions. Algorithms developed to predict the effect of missense changes on protein structure and function (SIFT, PolyPhen-2, Align-GVGD) all suggest that this variant is likely to be tolerated. In summary, the available evidence is currently insufficient to determine the role of this variant in disease. Therefore, it has been classified as a Variant of Uncertain Significance.

Institute of Human Genetics, Univ. Regensburg, Univ. Regensburg
Classification: Uncertain significance for Retinal dystrophy. Last evaluated: 2017-01-01. Review status: no assertion criteria provided. Criteria: ACMG Guidelines, 2015. Collection method: clinical testing. Allele origin: germline. Affected: yes. Not counted in ClinVar's aggregate classification.

NM_001142800.2(EYS):c.6634G>C (p.Val2212Leu)

Gene: EYS (EGF-like photoreceptor maintenance factor; minus strand). Cytogenetic location: 6q12.
Variant type: single nucleotide variant.
Coding change: c.6634G>C on transcript NM_001142800.2 (MANE Select); coding-DNA position 6634, G replaced by C.
Protein change: p.Val2212Leu; replaces valine 2212 with leucine.
Molecular consequence: missense variant.
Genome position (GRCh38, 1-based): chr6:64,066,429, C>G on the plus strand (G>C on the coding strand, the complement: EYS is on the minus strand). VCF-style: chr6-64066429-C-G. GRCh37 (hg19) VCF-style: chr6-64776322-C-G.
Other names: c.6634G>C, p.Val2212Leu (NM_001292009.2); short protein forms V2212L.
Identifiers: ClinVar variation 1905677 (VCV001905677.4), dbSNP rs2149855714, ClinGen allele CA364389751.